The following is an entry in ClinVar:

ClinVar aggregate classification (germline): Uncertain significance (1 of 4 stars; one submission).

Allele frequency attached by ClinVar (database versions not stated): gnomAD 0.00001; TOPMed 0.00001.
gnomAD v4.1: 1 of 1,613,894 alleles (0.000062%); highest among the groups gnomAD compares: Admixed American, 0.0017%; no homozygotes.

Submission:

Labcorp Genetics (formerly Invitae), Labcorp
Classification: Uncertain significance. Last evaluated: 2023-08-04. Review status: criteria provided, single submitter. Criteria: Invitae Variant Classification Sherloc (09022015). Collection method: clinical testing. Allele origin: germline.
Comment: This sequence change replaces leucine, which is neutral and non-polar, with isoleucine, which is neutral and non-polar, at codon 536 of the OCA2 protein (p.Leu536Ile). This variant is not present in population databases (gnomAD no frequency). In summary, the available evidence is currently insufficient to determine the role of this variant in disease. Therefore, it has been classified as a Variant of Uncertain Significance. Advanced modeling of protein sequence and biophysical properties (such as structural, functional, and spatial information, amino acid conservation, physicochemical variation, residue mobility, and thermodynamic stability) performed at Invitae indicates that this missense variant is not expected to disrupt OCA2 protein function. ClinVar contains an entry for this variant (Variation ID: 1380893). This variant has not been reported in the literature in individuals affected with OCA2-related conditions.

NM_000275.3(OCA2):c.1606C>A (p.Leu536Ile)

Gene: OCA2 (OCA2 melanosomal transmembrane protein; minus strand). Cytogenetic location: 15q13.1.
Variant type: single nucleotide variant.
Coding change: c.1606C>A on transcript NM_000275.3 (MANE Select); coding-DNA position 1606, C replaced by A.
Protein change: p.Leu536Ile; replaces leucine 536 with isoleucine.
Molecular consequence: missense variant.
Genome position (GRCh38, 1-based): chr15:27,966,720, G>T on the plus strand (C>A on the coding strand, the complement: OCA2 is on the minus strand). VCF-style: chr15-27966720-G-T. GRCh37 (hg19) VCF-style: chr15-28211866-G-T.
Other names: c.1534C>A, p.Leu512Ile (NM_001300984.2); short protein forms L512I, L536I.
Identifiers: ClinVar variation 1380893 (VCV001380893.6), dbSNP rs1394413927, ClinGen allele CA391357015.